The following is an entry in ClinVar:

ClinVar aggregate classification (germline): Uncertain significance (1 of 4 stars; one submission).

Conditions:
Ataxia-telangiectasia syndrome (AT). Also called: LOUIS-BAR SYNDROME; AT, COMPLEMENTATION GROUP C; ATAXIA-TELANGIECTASIA, COMPLEMENTATION GROUP A; ATAXIA-TELANGIECTASIA, FRESNO VARIANT; Ataxia-telangiectasia; Cerebello-oculocutaneous telangiectasia. Identifiers: Orphanet 100, MedGen C0004135, MONDO:0008840, OMIM 208900.

Submission:

Labcorp Genetics (formerly Invitae), Labcorp
Classification: Uncertain significance for Ataxia-telangiectasia syndrome. Last evaluated: 2023-09-04. Review status: criteria provided, single submitter. Criteria: Invitae Variant Classification Sherloc (09022015). Collection method: clinical testing. Allele origin: germline.
Comment: This sequence change replaces lysine, which is basic and polar, with arginine, which is basic and polar, at codon 1744 of the ATM protein (p.Lys1744Arg). This variant is not present in population databases (gnomAD no frequency). This variant has not been reported in the literature in individuals affected with ATM-related conditions. Algorithms developed to predict the effect of missense changes on protein structure and function output the following: SIFT: "Not Available"; PolyPhen-2: "Benign"; Align-GVGD: "Not Available". The arginine amino acid residue is found in multiple mammalian species, which suggests that this missense change does not adversely affect protein function. In summary, the available evidence is currently insufficient to determine the role of this variant in disease. Therefore, it has been classified as a Variant of Uncertain Significance.

NM_000051.4(ATM):c.5231A>G (p.Lys1744Arg)

Gene: ATM (ATM serine/threonine kinase; plus strand). Cytogenetic location: 11q22.3.
Variant type: single nucleotide variant.
Coding change: c.5231A>G on transcript NM_000051.4 (MANE Select); coding-DNA position 5231, A replaced by G.
Protein change: p.Lys1744Arg; replaces lysine 1744 with arginine.
Molecular consequence: missense variant.
Genome position (GRCh38, 1-based): chr11:108,301,701, A>G. VCF-style: chr11-108301701-A-G. GRCh37 (hg19) VCF-style: chr11-108172428-A-G.
Other names: c.5231A>G, p.Lys1744Arg (NM_001351834.2); short protein forms K1744R.
Identifiers: ClinVar variation 2757610 (VCV002757610.3), dbSNP rs2135913131, ClinGen allele CA382542359.